The following is an entry in ClinVar:

ClinVar aggregate classification (germline): Uncertain significance (1 of 4 stars; one submission).

Conditions:
PCNT-related disorder. Also called: PCNT-related condition.

Submission:

PreventionGenetics, part of Exact Sciences
Classification: Uncertain significance for PCNT-related condition. Last evaluated: 2026-03-13. Review status: criteria provided, single submitter. Criteria: ACMG Guidelines, 2015. Collection method: clinical testing. Allele origin: germline.
Comment: The PCNT c.358T>G variant is predicted to result in the amino acid substitution p.Phe120Val. To our knowledge, this variant has not been reported in the literature or in a large population database (gnomAD), indicating this variant is rare. At this time, the clinical significance of this variant is uncertain due to the absence of conclusive functional and genetic evidence.

NM_006031.6(PCNT):c.358T>G (p.Phe120Val)

Gene: PCNT (pericentrin; plus strand). Cytogenetic location: 21q22.3.
Variant type: single nucleotide variant.
Coding change: c.358T>G on transcript NM_006031.6 (MANE Select); coding-DNA position 358, T replaced by G.
Protein change: p.Phe120Val; replaces phenylalanine 120 with valine.
Molecular consequence: missense variant.
Genome position (GRCh38, 1-based): chr21:46,334,487, T>G. VCF-style: chr21-46334487-T-G. GRCh37 (hg19) VCF-style: chr21-47754401-T-G.
Other names: c.4T>G, p.Phe2Val (NM_001315529.2); short protein forms F2V, F120V.
Identifiers: ClinVar variation 4983305 (VCV004983305.1).